The following is an entry in ClinVar:

NM_001378454.1(ALMS1):c.2134C>G (p.Leu712Val)

Gene: ALMS1 (ALMS1 centrosome and basal body associated protein; plus strand). Cytogenetic location: 2p13.1.
Variant type: single nucleotide variant.
Coding change: c.2134C>G on transcript NM_001378454.1 (MANE Select); coding-DNA position 2134, C replaced by G.
Protein change: p.Leu712Val; replaces leucine 712 with valine.
Molecular consequence: missense variant.
Genome position (GRCh38, 1-based): chr2:73,448,661, C>G. VCF-style: chr2-73448661-C-G. GRCh37 (hg19) VCF-style: chr2-73675788-C-G.
Other names: c.2137C>G, p.Leu713Val (NM_015120.4); short protein forms L713V, L712V.
Identifiers: ClinVar variation 552419 (VCV000552419.17), dbSNP rs371524359, ClinGen allele CA1713286.

ClinVar aggregate classification (germline): Conflicting classifications of pathogenicity. Review status: criteria provided, conflicting classifications (1 of 4 stars). 7 submissions from 7 submitters: Uncertain significance (3); Likely benign (1). 3 of the submissions do not count toward it. Last evaluated 2025-04-11.

Conditions:
Retinal dystrophy. Also called: Inherited retinal dystrophy. Identifiers: Orphanet 71862, MedGen C0854723, MeSH D058499, MONDO:0019118, HP:0000556.
Cardiovascular phenotype. Identifiers: MedGen CN230736.
Alstrom syndrome (ALMS). Identifiers: Orphanet 64, MedGen C0268425, MONDO:0008763, OMIM 203800.

Allele frequency attached by ClinVar (database versions not stated): gnomAD 0.00003; TOPMed 0.00004; ESP Exome Variant Server 0.00008.
gnomAD v4.1: 100 of 1,612,780 alleles (0.0062%); highest among the groups gnomAD compares: Non-Finnish European, 0.008%; no homozygotes.

Submissions (7):

Ambry Genetics
Classification: Likely benign for Cardiovascular phenotype. Last evaluated: 2025-04-11. Review status: criteria provided, single submitter. Criteria: Ambry Variant Classification Scheme 2023. Collection method: clinical testing. Allele origin: germline.

ARUP Laboratories, Molecular Genetics and Genomics, ARUP Laboratories
Classification: Uncertain significance for Alstrom syndrome. Last evaluated: 2024-02-08. Review status: criteria provided, single submitter. Criteria: ARUP Molecular Germline Variant Investigation Process 2024. Collection method: clinical testing. Allele origin: germline.
Comment: The ALMS1 c.2134C>G; p.Leu712Val variant (rs371524359), to our knowledge, is not reported in the medical literature but is reported in ClinVar (Variation ID: 552419). This variant is observed in the general population with an overall allele frequency of 0.004% (11/279896 alleles) in the Genome Aggregation Database (v2.1.1). Computational analyses predict that this variant is neutral (REVEL: 0.036). Due to limited information, the clinical significance of this variant is uncertain at this time.

GeneDx
Classification: Uncertain significance. Last evaluated: 2022-12-02. Review status: criteria provided, single submitter. Criteria: GeneDx Variant Classification Process June 2021. Collection method: clinical testing. Allele origin: germline. Affected: yes.
Comment: Not observed at a significant frequency in large population cohorts (gnomAD); In silico analysis supports that this missense variant does not alter protein structure/function; Has not been previously published as pathogenic or benign to our knowledge

Labcorp Genetics (formerly Invitae), Labcorp
Classification: Uncertain significance for Alstrom syndrome. Last evaluated: 2022-08-22. Review status: criteria provided, single submitter. Criteria: Invitae Variant Classification Sherloc (09022015). Collection method: clinical testing. Allele origin: germline.
Comment: This sequence change replaces leucine, which is neutral and non-polar, with valine, which is neutral and non-polar, at codon 713 of the ALMS1 protein (p.Leu713Val). The frequency data for this variant in the population databases is considered unreliable, as metrics indicate poor data quality at this position in the gnomAD database. This variant has not been reported in the literature in individuals affected with ALMS1-related conditions. ClinVar contains an entry for this variant (Variation ID: 552419). Experimental studies and prediction algorithms are not available or were not evaluated, and the functional significance of this variant is currently unknown. In summary, the available evidence is currently insufficient to determine the role of this variant in disease. Therefore, it has been classified as a Variant of Uncertain Significance.

Institute of Human Genetics, Univ. Regensburg, Univ. Regensburg
Classification: Uncertain significance for Retinal dystrophy. Last evaluated: 2023-01-01. Review status: no assertion criteria provided. Criteria: ACMG Guidelines, 2015. Collection method: clinical testing. Allele origin: germline. Affected: yes. Not counted in ClinVar's aggregate classification.

Natera, Inc.
Classification: Uncertain significance for Alstrom syndrome. Last evaluated: 2021-08-13. Review status: no assertion criteria provided. Collection method: clinical testing. Allele origin: germline. Not counted in ClinVar's aggregate classification.

Counsyl
Classification: Uncertain significance for Alstrom syndrome. Last evaluated: 2017-06-19. Review status: no assertion criteria provided. Collection method: clinical testing. Allele origin: unknown. Not counted in ClinVar's aggregate classification.